The following is an entry in ClinVar:

NM_000038.6(APC):c.104C>T (p.Thr35Ile)

Gene: APC (APC regulator of Wnt signaling pathway; plus strand). Cytogenetic location: 5q22.2.
Variant type: single nucleotide variant.
Coding change: c.104C>T on transcript NM_000038.6 (MANE Select); coding-DNA position 104, C replaced by T.
Protein change: p.Thr35Ile; replaces threonine 35 with isoleucine.
Molecular consequence: missense variant. On other transcripts: 5 prime UTR variant (4), non-coding transcript variant (2), intron variant (11).
Genome position (GRCh38, 1-based): chr5:112,754,994, C>T. VCF-style: chr5-112754994-C-T. GRCh37 (hg19) VCF-style: chr5-112090691-C-T.
Other names: c.104C>T, p.Thr35Ile (NM_001127510.3, NM_001354895.2, NM_001354896.2 and 16 more transcripts); c.-932C>T (NM_001354906.2, NM_001407470.1, NM_001407471.1 and 1 more transcripts); c.166-11332C>T (NM_001407446.1, NM_001354897.2, NM_001354902.2 and 1 more transcripts); c.-42-11332C>T (NM_001407453.1, NM_001354900.2, NM_001354901.2 and 1 more transcripts); c.61-11332C>T (NM_001407451.1, NM_001354898.2, NM_001354904.2); short protein forms T35I.
Identifiers: ClinVar variation 4575536 (VCV004575536.2).
Genomic context (GRCh38, chr5:112,754,994, plus strand): 5'-CACTGAAGATGGAGAACTCAAATCTTCGACAAGAGCTAGAAGATAATTCCAATCATCTTA[C>T]AAAACTGGAAACTGAGGCATCTAATATGAAGGTATCAAGACTGTGACTTTTAATTGTAGT-3'
Protein context (NP_000029.2, residues 25-45): QELEDNSNHL[Thr35Ile]KLETEASNMK

ClinVar aggregate classification (germline): Uncertain significance. Review status: criteria provided, multiple submitters, no conflicts (2 of 4 stars). 2 submissions from 2 submitters: Uncertain significance (2). Last evaluated 2025-11-04.

Conditions:
Familial adenomatous polyposis 1 (FAP1). Also called: POLYPOSIS, ADENOMATOUS INTESTINAL; FAMILIAL ADENOMATOUS POLYPOSIS 1, ATTENUATED. Identifiers: MedGen C2713442, MONDO:0021056, OMIM 175100. Disease mechanism: loss of function.
Hereditary cancer-predisposing syndrome. Also called: Neoplastic Syndromes, Hereditary; Tumor predisposition; Hereditary Cancer Syndrome; Hereditary neoplastic syndrome. Identifiers: Orphanet 140162, MedGen C0027672, MeSH D009386, MONDO:0015356.

gnomAD v4.1: 1 of 1,613,734 alleles (0.000062%); highest among the groups gnomAD compares: Non-Finnish European, 0.000085%; no homozygotes.

Submissions (2):

Labcorp Genetics (formerly Invitae), Labcorp
Classification: Uncertain significance for Familial adenomatous polyposis 1. Last evaluated: 2025-11-04. Review status: criteria provided, single submitter. Criteria: Invitae Variant Classification Sherloc (09022015). Collection method: clinical testing. Allele origin: germline.
Comment: This sequence change replaces threonine, which is neutral and polar, with isoleucine, which is neutral and non-polar, at codon 35 of the APC protein (p.Thr35Ile). This variant is not present in population databases (gnomAD no frequency). This variant has not been reported in the literature in individuals affected with APC-related conditions. Invitae Evidence Modeling of protein sequence and biophysical properties (such as structural, functional, and spatial information, amino acid conservation, physicochemical variation, residue mobility, and thermodynamic stability) indicates that this missense variant is not expected to disrupt APC protein function with a negative predictive value of 95%. In summary, the available evidence is currently insufficient to determine the role of this variant in disease. Therefore, it has been classified as a Variant of Uncertain Significance.

Ambry Genetics
Classification: Uncertain significance for Hereditary cancer-predisposing syndrome. Last evaluated: 2025-09-17. Review status: criteria provided, single submitter. Criteria: Ambry Variant Classification Scheme 2023. Collection method: clinical testing. Allele origin: germline.
Comment: The p.T35I variant (also known as c.104C>T), located in coding exon 1 of the APC gene, results from a C to T substitution at nucleotide position 104. The threonine at codon 35 is replaced by isoleucine, an amino acid with similar properties. This amino acid position is well conserved in available vertebrate species. In addition, in silico predictors for this gene do not accurately predict pathogenicity. Missense alterations in APC are not a common cause of disease (Spier I et al. Genet Med. 2024 Feb;26(2):100992). Based on the available evidence, the clinical significance of this variant remains unclear.